The following is an entry in ClinVar:

NM_198904.4(GABRG2):c.498del (p.Asn167fs)

Gene: GABRG2 (gamma-aminobutyric acid type A receptor subunit gamma2; plus strand). Cytogenetic location: 5q34.
Variant type: Deletion.
Coding change: c.498del on transcript NM_198904.4 (MANE Select); coding-DNA position 498, one base deleted (C; older notation c.498delC).
Protein change: p.Asn167fs; shifts the reading frame from asparagine 167.
Molecular consequence: frameshift variant.
Genome position (GRCh38, 1-based): chr5:162,097,808, C deleted; the last of 5 consecutive C bases (chr5:162,097,804-162,097,808); deleting any one gives the same sequence. VCF-style (leftmost placement, unchanged base first): chr5-162097803-AC-A. GRCh37 (hg19) VCF-style: chr5-161524809-AC-A.
Other names: c.498del, p.Asn167fs (NM_000816.3, NM_001375340.1, NM_001375341.1 and 4 more transcripts); c.489del, p.Asn164fs (NM_001375339.1); c.432del, p.Asn145fs (NM_001375345.1, NM_001375346.1); c.411del, p.Asn138fs (NM_001375347.1); c.78del, p.Asn27fs (NM_001375348.1, NM_001375350.1); c.213del, p.Asn72fs (NM_001375349.1); short protein forms N145fs, N167fs, N72fs, N164fs, N27fs, N138fs.
Identifiers: ClinVar variation 1457057 (VCV001457057.6), dbSNP rs2113326854, ClinGen allele CA2573139346.

ClinVar aggregate classification (germline): Pathogenic (1 of 4 stars; one submission).

Conditions:
EPILEPSY, CHILDHOOD ABSENCE, SUSCEPTIBILITY TO, 2 (ECA2). Identifiers: Orphanet 64280, MedGen C1843244, OMIM 607681.
Febrile seizures, familial, 8 (FEB8). Also called: CONVULSIONS, FAMILIAL FEBRILE, 8. Identifiers: Orphanet 36387, MedGen C1969810, MONDO:0011891, OMIM 607681.

Submission:

Labcorp Genetics (formerly Invitae), Labcorp
Classification: Pathogenic for Febrile seizures, familial, 8; EPILEPSY, CHILDHOOD ABSENCE, SUSCEPTIBILITY TO, 2. Last evaluated: 2021-01-04. Review status: criteria provided, single submitter. Criteria: Invitae Variant Classification Sherloc (09022015). Collection method: clinical testing. Allele origin: germline.
Comment: This sequence change creates a premature translational stop signal (p.Asn167Thrfs*4) in the GABRG2 gene. It is expected to result in an absent or disrupted protein product. Loss-of-function variants in GABRG2 are known to be pathogenic (PMID: 22539854, 22750526, 24407264). This variant is not present in population databases (ExAC no frequency). This variant has not been reported in the literature in individuals with GABRG2-related conditions. For these reasons, this variant has been classified as Pathogenic.

Literature cited by the submitters: PubMed 22539854; PubMed 22750526; PubMed 24407264.